The following is an entry in ClinVar:

ClinVar aggregate classification (germline): Likely benign (1 of 4 stars; one submission).

Allele frequency attached by ClinVar (database versions not stated): gnomAD 0.00001.

Submission:

CeGaT Center for Human Genetics Tuebingen
Classification: Likely benign. Last evaluated: 2023-12-01. Review status: criteria provided, single submitter. Criteria: CeGaT Center For Human Genetics Tuebingen Variant Classification Criteria Version 2. Collection method: clinical testing. Allele origin: germline. Affected: yes. Observed: 1 variant allele.
Comment: COL6A2: BP4

NM_001849.4(COL6A2):c.1608+5G>A

Gene: COL6A2 (collagen type VI alpha 2 chain; plus strand). Cytogenetic location: 21q22.3.
Variant type: single nucleotide variant.
Coding change: c.1608+5G>A on transcript NM_001849.4 (MANE Select); 5 bases into the intron after coding-DNA position 1608, G replaced by A.
Molecular consequence: intron variant.
Genome position (GRCh38, 1-based): chr21:46,122,536, G>A. VCF-style: chr21-46122536-G-A. GRCh37 (hg19) VCF-style: chr21-47542450-G-A.
Other names: c.1608+5G>A (NM_058174.3, NM_058175.3).
Identifiers: ClinVar variation 3026313 (VCV003026313.22), dbSNP rs2078583098, ClinGen allele CA1022866064.